The following is an entry in ClinVar:

ClinVar aggregate classification (germline): Uncertain significance. Review status: criteria provided, multiple submitters, no conflicts (2 of 4 stars). 4 submissions from 4 submitters: Uncertain significance (2). 2 of the submissions do not count toward it. Last evaluated 2022-04-06.

Conditions:
Carnitine palmitoyl transferase 1A deficiency. Also called: CPT I DEFICIENCY; CPT DEFICIENCY, HEPATIC, TYPE I; Carnitine palmitoyltransferase 1A deficiency; Carnitine palmitoyltransferase type I deficiency; CPT deficiency, hepatic, type IA. Identifiers: Orphanet 156, MedGen C1829703, MONDO:0009705, OMIM 255120.

Allele frequency attached by ClinVar (database versions not stated): gnomAD exomes 0.00004 and 0.00009; ExAC 0.00005; TOPMed 0.00005; gnomAD 0.00011; 1000 Genomes Project 30x 0.00016; 1000 Genomes Project 0.00020.
gnomAD v4.1: 146 of 1,599,040 alleles (0.0091%); highest among the groups gnomAD compares: Middle Eastern, 0.017%; no homozygotes.

Submissions (5):

Labcorp Genetics (formerly Invitae), Labcorp
Classification: Uncertain significance for Carnitine palmitoyl transferase 1A deficiency. Last evaluated: 2022-04-06. Review status: criteria provided, single submitter. Criteria: Invitae Variant Classification Sherloc (09022015). Collection method: clinical testing. Allele origin: germline.
Comment: This sequence change affects codon 745 of the CPT1A mRNA. It is a 'silent' change, meaning that it does not change the encoded amino acid sequence of the CPT1A protein. This variant also falls at the last nucleotide of exon 18, which is part of the consensus splice site for this exon. This variant is present in population databases (rs202208941, gnomAD 0.01%). This variant has not been reported in the literature in individuals affected with CPT1A-related conditions. ClinVar contains an entry for this variant (Variation ID: 991520). Variants that disrupt the consensus splice site are a relatively common cause of aberrant splicing (PMID: 17576681, 9536098). Algorithms developed to predict the effect of sequence changes on RNA splicing suggest that this variant is not likely to affect RNA splicing. In summary, the available evidence is currently insufficient to determine the role of this variant in disease. Therefore, it has been classified as a Variant of Uncertain Significance.

Fulgent Genetics
Classification: Uncertain significance for Carnitine palmitoyl transferase 1A deficiency. Last evaluated: 2021-10-06. Review status: criteria provided, single submitter. Criteria: ACMG Guidelines, 2015. Collection method: clinical testing. Allele origin: unknown.

Natera, Inc.
Classification: Uncertain significance for Carnitine palmitoyltransferase type I deficiency. Last evaluated: 2020-04-16. Review status: no assertion criteria provided. Collection method: clinical testing. Allele origin: germline. Not counted in ClinVar's aggregate classification.

Department of Pathology and Laboratory Medicine, Sinai Health System
Classification: Uncertain significance. Review status: no assertion criteria provided. Collection method: clinical testing. Allele origin: unknown. Affected: yes. Study: The Canadian Open Genetics Repository (COGR). Not counted in ClinVar's aggregate classification.

Dr. Peter K. Rogan Lab, Western University
No classification provided (evidence only). Condition: Cervical cancer. Review status: no classification provided. Collection method: in vitro. Allele origin: not applicable. Functional consequence: skipped exon, retained intron. Not counted in ClinVar's aggregate classification.

Literature cited by the submitters: PubMed 17576681 (cited by Labcorp Genetics (formerly Invitae), Labcorp); PubMed 9536098 (cited by Labcorp Genetics (formerly Invitae), Labcorp).

NM_001876.4(CPT1A):c.2235G>A (p.Thr745=)

Gene: CPT1A (carnitine palmitoyltransferase 1A; minus strand). Cytogenetic location: 11q13.3.
Variant type: single nucleotide variant.
Coding change: c.2235G>A on transcript NM_001876.4 (MANE Select); coding-DNA position 2235, G replaced by A.
Protein change: p.Thr745=; no amino-acid change (threonine 745 retained).
Molecular consequence: synonymous variant.
Genome position (GRCh38, 1-based): chr11:68,759,569, C>T on the plus strand (G>A on the coding strand, the complement: CPT1A is on the minus strand). VCF-style: chr11-68759569-C-T. GRCh37 (hg19) VCF-style: chr11-68527037-C-T.
Other names: c.2235G>A, p.Thr745= (NM_001031847.3).
Identifiers: ClinVar variation 991520 (VCV000991520.6), dbSNP rs202208941, ClinGen allele CA6152041.
Genomic context (GRCh38, chr11:68,759,569, plus strand): 5'-TAAAAAGAATAAAGCAAAAATACCCCATCTTCAGAAAAAGGAACTTCTTTTCATACATAC[C>T]GTCTCAGGGCAAGAGAACTTGGAAGAAATGTGGAAATTGATGAGGTTCTCTCCCACAAGG-3'
Protein context (NP_001867.2, residues 735-755): HISSKFSCPE[Thr745=]DSHRFGRHLK